The following is an entry in ClinVar:

NM_001077415.3(CRELD1):c.499G>A (p.Gly167Arg)

Gene: CRELD1 (CRELD disulfide isomerase 1; plus strand). Cytogenetic location: 3p25.3.
Variant type: single nucleotide variant.
Coding change: c.499G>A on transcript NM_001077415.3 (MANE Select); coding-DNA position 499, G replaced by A.
Protein change: p.Gly167Arg; replaces glycine 167 with arginine.
Molecular consequence: missense variant. On other transcripts: non-coding transcript variant (3).
Genome position (GRCh38, 1-based): chr3:9,940,888, G>A. VCF-style: chr3-9940888-G-A. GRCh37 (hg19) VCF-style: chr3-9982572-G-A.
Other names: c.499G>A, p.Gly167Arg (NM_001031717.4, NM_001374316.1, NM_001374317.1 and 5 more transcripts); short protein forms G167R.
Identifiers: ClinVar variation 3776623 (VCV003776623.2).

ClinVar aggregate classification (germline): Uncertain significance. Review status: criteria provided, multiple submitters, no conflicts (2 of 4 stars). 2 submissions from 2 submitters: Uncertain significance (2). Last evaluated 2025-08-30.

Conditions:
Inborn genetic diseases. Identifiers: MedGen C0950123, MeSH D030342.

gnomAD v4.1: 9 of 1,614,132 alleles (0.00056%); highest among the groups gnomAD compares: Middle Eastern, 0.017%; no homozygotes.

Submissions (2):

Ambry Genetics
Classification: Uncertain significance for Inborn genetic diseases. Last evaluated: 2025-08-30. Review status: criteria provided, single submitter. Criteria: Ambry Variant Classification Scheme 2023. Collection method: clinical testing. Allele origin: germline.

GeneDx
Classification: Uncertain significance. Last evaluated: 2024-10-01. Review status: criteria provided, single submitter. Criteria: GeneDx Variant Classification Process June 2021. Collection method: clinical testing. Allele origin: germline. Affected: yes.
Comment: Not observed at significant frequency in large population cohorts (gnomAD); In silico analysis supports that this missense variant has a deleterious effect on protein structure/function; Has not been previously published as pathogenic or benign to our knowledge